The following is an entry in ClinVar:

NM_017654.4(SAMD9):c.2494A>G (p.Ile832Val)

Gene: SAMD9 (sterile alpha motif domain containing 9; minus strand). Cytogenetic location: 7q21.2.
Variant type: single nucleotide variant.
Coding change: c.2494A>G on transcript NM_017654.4 (MANE Select); coding-DNA position 2494, A replaced by G.
Protein change: p.Ile832Val; replaces isoleucine 832 with valine.
Molecular consequence: missense variant.
Genome position (GRCh38, 1-based): chr7:93,103,604, T>C on the plus strand (A>G on the coding strand, the complement: SAMD9 is on the minus strand). VCF-style: chr7-93103604-T-C. GRCh37 (hg19) VCF-style: chr7-92732917-T-C.
Other names: c.2494A>G, p.Ile832Val (NM_001193307.2); short protein forms I832V.
Identifiers: ClinVar variation 3437029 (VCV003437029.1).

ClinVar aggregate classification (germline): Uncertain significance (1 of 4 stars; one submission).

Conditions:
Inborn genetic diseases. Identifiers: MedGen C0950123, MeSH D030342.

Submission:

Ambry Genetics
Classification: Uncertain significance for Inborn genetic diseases. Last evaluated: 2024-11-23. Review status: criteria provided, single submitter. Criteria: Ambry Variant Classification Scheme 2023. Collection method: clinical testing. Allele origin: germline.
Comment: The p.I832V variant (also known as c.2494A>G), located in coding exon 1 of the SAMD9 gene, results from an A to G substitution at nucleotide position 2494. The isoleucine at codon 832 is replaced by valine, an amino acid with highly similar properties. This amino acid position is conserved. In addition, this alteration is predicted to be tolerated by in silico analysis. Based on the available evidence, the clinical significance of this variant remains unclear.